The following is an entry in ClinVar:

NM_152617.4(RNF168):c.847C>A (p.Leu283Ile)

Gene: RNF168 (ring finger protein 168; minus strand). Cytogenetic location: 3q29.
Variant type: single nucleotide variant.
Coding change: c.847C>A on transcript NM_152617.4 (MANE Select); coding-DNA position 847, C replaced by A.
Protein change: p.Leu283Ile; replaces leucine 283 with isoleucine.
Molecular consequence: missense variant.
Genome position (GRCh38, 1-based): chr3:196,472,688, G>T on the plus strand (C>A on the coding strand, the complement: RNF168 is on the minus strand). VCF-style: chr3-196472688-G-T. GRCh37 (hg19) VCF-style: chr3-196199559-G-T.
Other names: short protein forms L283I.
Identifiers: ClinVar variation 1406376 (VCV001406376.8), dbSNP rs773573242, ClinGen allele CA2780787.

ClinVar aggregate classification (germline): Uncertain significance (1 of 4 stars; one submission).

Allele frequency attached by ClinVar (database versions not stated): gnomAD exomes below 0.00001; ExAC 0.00001.

Submission:

Labcorp Genetics (formerly Invitae), Labcorp
Classification: Uncertain significance. Last evaluated: 2021-02-01. Review status: criteria provided, single submitter. Criteria: Invitae Variant Classification Sherloc (09022015). Collection method: clinical testing. Allele origin: germline.
Comment: This variant is present in population databases (rs773573242, ExAC 0.002%). This variant has not been reported in the literature in individuals with RNF168-related conditions. Algorithms developed to predict the effect of missense changes on protein structure and function (SIFT, PolyPhen-2, Align-GVGD) all suggest that this variant is likely to be tolerated, but these predictions have not been confirmed by published functional studies and their clinical significance is uncertain. In summary, the available evidence is currently insufficient to determine the role of this variant in disease. Therefore, it has been classified as a Variant of Uncertain Significance. This sequence change replaces leucine with isoleucine at codon 283 of the RNF168 protein (p.Leu283Ile). The leucine residue is weakly conserved and there is a small physicochemical difference between leucine and isoleucine.